The following is an entry in ClinVar:

ClinVar aggregate classification (germline): Uncertain significance. Review status: criteria provided, multiple submitters, no conflicts (2 of 4 stars). 2 submissions from 2 submitters: Uncertain significance (2). Last evaluated 2025-08-28.

Conditions:
Intellectual developmental disorder with short stature and behavioral abnormalities. Identifiers: MedGen C5231462, MONDO:0032870, OMIM 618687.

gnomAD v4.1: 736 of 1,614,162 alleles (0.046%); highest among the groups gnomAD compares: Non-Finnish European, 0.057%; 1 homozygote.

Submissions (2):

Ambry Genetics
Classification: Uncertain significance. Last evaluated: 2025-08-28. Review status: criteria provided, single submitter. Criteria: Ambry Variant Classification Scheme 2023. Collection method: clinical testing. Allele origin: germline.

Pittsburgh Clinical Genomics Laboratory, University of Pittsburgh Medical Center
Classification: Uncertain significance for Intellectual developmental disorder with short stature and behavioral abnormalities. Last evaluated: 2023-12-12. Review status: criteria provided, single submitter. Criteria: ACMG Guidelines, 2015. Collection method: clinical testing. Allele origin: germline. Inheritance: Autosomal recessive inheritance. Affected: yes.
Comment: This sequence variant is a single nucleotide substitution (C>G) at position 1449 of the coding sequence of the IQSEC1 gene that results in an isoleucine to methionine amino acid change at residue 483 of the IQ motif and Sec7 domain ArfGEF 1 protein. This variant is absent from ClinVar and has not been observed in individuals affected by IQSEC1-related disorders in the published literature, to our knowledge. This variant is present in 736 of 1614162 alleles (0.0456%) in the gnomAD v4.0.0 population dataset. Bioinformatic tools are inconclusive if this amino acid change will be damaging or tolerated, and the Ile483 residue at this position is highly conserved across the vertebrate species examined. Studies examining the functional consequence of this variant have not been published, to our knowledge. At this time, there is insufficient evidence to determine if this variant is pathogenic or benign. Therefore, we consider this a variant of uncertain significance. ACMG Criteria:

NM_001134382.3(IQSEC1):c.1407C>G (p.Ile469Met)

Gene: IQSEC1 (IQ motif and Sec7 domain ArfGEF 1; minus strand). Cytogenetic location: 3p25.2.
Variant type: single nucleotide variant.
Coding change: c.1407C>G on transcript NM_001134382.3 (MANE Select); coding-DNA position 1407, C replaced by G.
Protein change: p.Ile469Met; replaces isoleucine 469 with methionine.
Molecular consequence: missense variant.
Genome position (GRCh38, 1-based): chr3:12,935,609, G>C on the plus strand (C>G on the coding strand, the complement: IQSEC1 is on the minus strand). VCF-style: chr3-12935609-G-C. GRCh37 (hg19) VCF-style: chr3-12977109-G-C.
Other names: c.1407C>G (NM_001134382.1); c.1083C>G, p.Ile361Met (NM_001330619.3); c.1731C>G, p.Ile577Met (NM_001376938.2); c.1449C>G, p.Ile483Met (NM_014869.8); short protein forms I361M, I469M, I483M, I577M.
Identifiers: ClinVar variation 3376392 (VCV003376392.2).